The following is an entry in ClinVar:

ClinVar aggregate classification (germline): Likely benign (1 of 4 stars; one submission).

Allele frequency attached by ClinVar (database versions not stated): TOPMed 0.00032; ESP Exome Variant Server 0.00038; gnomAD exomes 0.00047; ExAC 0.00068; gnomAD 0.00075.
gnomAD v4.1: 793 of 1,609,506 alleles (0.049%); highest among the groups gnomAD compares: Non-Finnish European, 0.033%; no homozygotes.

Submission:

CeGaT Center for Human Genetics Tuebingen
Classification: Likely benign. Last evaluated: 2023-03-01. Review status: criteria provided, single submitter. Criteria: CeGaT Center For Human Genetics Tuebingen Variant Classification Criteria Version 2. Collection method: clinical testing. Allele origin: germline. Affected: yes. Observed: 1 variant allele.
Comment: IRAK2: BP4, BP7

NM_001570.4(IRAK2):c.261C>T (p.Ala87=)

Genes: IRAK2 (interleukin 1 receptor associated kinase 2; plus strand), LOC107303341 (3p25 IRAK2 Alu-mediated recombination region; plus strand). Cytogenetic location: 3p25.3.
Variant type: single nucleotide variant.
Coding change: c.261C>T on transcript NM_001570.4 (MANE Select); coding-DNA position 261, C replaced by T.
Protein change: p.Ala87=; no amino-acid change (alanine 87 retained).
Molecular consequence: synonymous variant.
Genome position (GRCh38, 1-based): chr3:10,178,004, C>T. VCF-style: chr3-10178004-C-T. GRCh37 (hg19) VCF-style: chr3-10219688-C-T.
Identifiers: ClinVar variation 2653515 (VCV002653515.24), dbSNP rs141395070, ClinGen allele CA2251065.